The following is an entry in ClinVar:

ClinVar aggregate classification (germline): Pathogenic (1 of 4 stars; one submission).

Conditions:
Familial cancer of breast. Also called: Hereditary breast cancer; BREAST CANCER, FAMILIAL; hereditary breast carcinoma. Identifiers: Orphanet 227535, MedGen C0346153, MONDO:0016419, OMIM 114480. Disease mechanism: loss of function.

Submission:

Myriad Genetics, Inc.
Classification: Pathogenic for Familial cancer of breast. Last evaluated: 2025-12-30. Review status: criteria provided, single submitter. Criteria: Myriad Autosomal Dominant, Autosomal Recessive and X-Linked Classification Criteria (2023). Collection method: clinical testing. Allele origin: unknown.
Comment: This variant is considered pathogenic. This variant creates a frameshift predicted to result in premature protein truncation.

NM_000051.4(ATM):c.3308_3309del (p.Asp1103fs)

Gene: ATM (ATM serine/threonine kinase; plus strand). Cytogenetic location: 11q22.3.
Variant type: Deletion.
Coding change: c.3308_3309del on transcript NM_000051.4 (MANE Select); coding-DNA positions 3308 to 3309, 2 bases deleted (AT; older notation c.3308_3309delAT).
Protein change: p.Asp1103fs; shifts the reading frame from aspartic acid 1103.
Molecular consequence: frameshift variant.
Genome position (GRCh38, 1-based): chr11:108,279,514-108,279,515, AT deleted. VCF-style (leftmost placement, unchanged base first): chr11-108279513-GAT-G. GRCh37 (hg19) VCF-style: chr11-108150240-GAT-G.
Other names: c.3308_3309del, p.Asp1103fs (NM_001351834.2); short protein forms D1103fs.
Identifiers: ClinVar variation 4813040 (VCV004813040.1).
Genomic context (GRCh38, chr11:108,279,513, plus strand): 5'-TTCACTTTTTGTTTGTTTGTTTGCTTGCTTGTTTTAAGATTGTTCCAGGACACGAAGGGA[GAT>G]TCTTCCAGGTTACTGAAAGCACTTCCTTTGAAGCTTCAGCAAACAGCTTTTGAAAATGCA-3'